The following is an entry in ClinVar:

NM_001134363.3(RBM20):c.3425T>C (p.Val1142Ala)

Gene: RBM20 (RNA binding motif protein 20; plus strand). Cytogenetic location: 10q25.2.
Variant type: single nucleotide variant.
Coding change: c.3425T>C on transcript NM_001134363.3 (MANE Select); coding-DNA position 3425, T replaced by C.
Protein change: p.Val1142Ala; replaces valine 1142 with alanine.
Molecular consequence: missense variant.
Genome position (GRCh38, 1-based): chr10:110,823,588, T>C. VCF-style: chr10-110823588-T-C. GRCh37 (hg19) VCF-style: chr10-112583346-T-C.
Other names: short protein forms V1142A.
Identifiers: ClinVar variation 2127393 (VCV002127393.4), dbSNP rs2493499825, ClinGen allele CA378384273.

ClinVar aggregate classification (germline): Uncertain significance (1 of 4 stars; one submission).

Conditions:
Dilated cardiomyopathy 1DD (CMD1DD). Identifiers: Orphanet 154, MedGen C2750995, MONDO:0013168, OMIM 613172.

Submission:

Labcorp Genetics (formerly Invitae), Labcorp
Classification: Uncertain significance for Dilated cardiomyopathy 1DD. Last evaluated: 2022-04-17. Review status: criteria provided, single submitter. Criteria: Invitae Variant Classification Sherloc (09022015). Collection method: clinical testing. Allele origin: germline.
Comment: In summary, the available evidence is currently insufficient to determine the role of this variant in disease. Therefore, it has been classified as a Variant of Uncertain Significance. Advanced modeling of protein sequence and biophysical properties (such as structural, functional, and spatial information, amino acid conservation, physicochemical variation, residue mobility, and thermodynamic stability) performed at Invitae indicates that this missense variant is not expected to disrupt RBM20 protein function. This variant has not been reported in the literature in individuals affected with RBM20-related conditions. This variant is not present in population databases (gnomAD no frequency). This sequence change replaces valine, which is neutral and non-polar, with alanine, which is neutral and non-polar, at codon 1142 of the RBM20 protein (p.Val1142Ala).